The following is an entry in ClinVar:

ClinVar aggregate classification (germline): Uncertain significance. Review status: criteria provided, multiple submitters, no conflicts (2 of 4 stars). 2 submissions from 2 submitters: Uncertain significance (2). Last evaluated 2024-04-06.

Conditions:
Hereditary cancer-predisposing syndrome. Also called: Neoplastic Syndromes, Hereditary; Hereditary Cancer Syndrome; Hereditary neoplastic syndrome; Tumor predisposition. Identifiers: Orphanet 140162, MedGen C0027672, MeSH D009386, MONDO:0015356.
Familial adenomatous polyposis 1 (FAP1). Also called: POLYPOSIS, ADENOMATOUS INTESTINAL; FAMILIAL ADENOMATOUS POLYPOSIS 1, ATTENUATED. Identifiers: MedGen C2713442, MONDO:0021056, OMIM 175100. Disease mechanism: loss of function.

Allele frequency attached by ClinVar (database versions not stated): gnomAD exomes below 0.00001; TOPMed 0.00001.

Submissions (2):

Labcorp Genetics (formerly Invitae), Labcorp
Classification: Uncertain significance for Familial adenomatous polyposis 1. Last evaluated: 2024-04-06. Review status: criteria provided, single submitter. Criteria: Invitae Variant Classification Sherloc (09022015). Collection method: clinical testing. Allele origin: germline.
Comment: This sequence change replaces isoleucine, which is neutral and non-polar, with methionine, which is neutral and non-polar, at codon 2756 of the APC protein (p.Ile2756Met). This variant is not present in population databases (gnomAD no frequency). This variant has not been reported in the literature in individuals affected with APC-related conditions. ClinVar contains an entry for this variant (Variation ID: 2562360). Advanced modeling of protein sequence and biophysical properties (such as structural, functional, and spatial information, amino acid conservation, physicochemical variation, residue mobility, and thermodynamic stability) performed at Invitae indicates that this missense variant is not expected to disrupt APC protein function with a negative predictive value of 95%. In summary, the available evidence is currently insufficient to determine the role of this variant in disease. Therefore, it has been classified as a Variant of Uncertain Significance.

Ambry Genetics
Classification: Uncertain significance for Hereditary cancer-predisposing syndrome. Last evaluated: 2023-05-01. Review status: criteria provided, single submitter. Criteria: Ambry Variant Classification Scheme 2023. Collection method: clinical testing. Allele origin: germline.
Comment: The p.I2756M variant (also known as c.8268A>G), located in coding exon 15 of the APC gene, results from an A to G substitution at nucleotide position 8268. The isoleucine at codon 2756 is replaced by methionine, an amino acid with highly similar properties. This amino acid position is not well conserved in available vertebrate species. In addition, in silico predictors for this gene do not accurately predict pathogenicity. Since supporting evidence is limited at this time, the clinical significance of this alteration remains unclear.

NM_000038.6(APC):c.8268A>G (p.Ile2756Met)

Gene: APC (APC regulator of Wnt signaling pathway; plus strand). Cytogenetic location: 5q22.2.
Variant type: single nucleotide variant.
Coding change: c.8268A>G on transcript NM_000038.6 (MANE Select); coding-DNA position 8268, A replaced by G.
Protein change: p.Ile2756Met; replaces isoleucine 2756 with methionine.
Molecular consequence: missense variant. On other transcripts: non-coding transcript variant (2).
Genome position (GRCh38, 1-based): chr5:112,843,862, A>G. VCF-style: chr5-112843862-A-G. GRCh37 (hg19) VCF-style: chr5-112179559-A-G.
Other names: c.8268A>G, p.Ile2756Met (NM_001127510.3, NM_001354895.2, NM_001407450.1); c.8214A>G, p.Ile2738Met (NM_001127511.3); c.8322A>G, p.Ile2774Met (NM_001354896.2, NM_001407447.1, NM_001407448.1 and 1 more transcripts); c.8298A>G, p.Ile2766Met (NM_001354897.2); c.8193A>G, p.Ile2731Met (NM_001354898.2); c.8184A>G, p.Ile2728Met (NM_001354899.2); c.8145A>G, p.Ile2715Met (NM_001354900.2); c.8091A>G, p.Ile2697Met (NM_001354901.2, NM_001407453.1); and 11 more; short protein forms I2596M, I2655M, I2715M, I2746M, I2756M, I2774M, I2784M, I2630M.
Identifiers: ClinVar variation 2562360 (VCV002562360.4), dbSNP rs916431849, ClinGen allele CA16039274.
Genomic context (GRCh38, chr5:112,843,862, plus strand): 5'-TGAGATAAAACCAGGACAAAATAATCCTGTCCCTGTATCAGAGACTAATGAAAGTTCTAT[A>G]GTGGAACGTACCCCATTCAGTTCTAGCAGCTCAAGCAAACACAGTTCACCTAGTGGGACT-3'
Protein context (NP_000029.2, residues 2746-2766): VPVSETNESS[Ile2756Met]VERTPFSSSS